The following is an entry in ClinVar:

ClinVar aggregate classification (germline): Uncertain significance (1 of 4 stars; one submission).

Conditions:
Primary immunodeficiency with post-measles-mumps-rubella vaccine viral infection. Also called: Immunodeficiency 44. Identifiers: Orphanet 431166, MedGen C4225260, MONDO:0014715, OMIM 616636.

Allele frequency attached by ClinVar (database versions not stated): ESP Exome Variant Server 0.00008; gnomAD 0.00010 and 0.00011; ExAC 0.00011; gnomAD exomes 0.00014; TOPMed 0.00016; 1000 Genomes Project 0.00020; 1000 Genomes Project 30x 0.00031.
gnomAD v4.1: 142 of 1,614,074 alleles (0.0088%); highest among the groups gnomAD compares: Admixed American, 0.06%; no homozygotes.

Submission:

Labcorp Genetics (formerly Invitae), Labcorp
Classification: Uncertain significance for Primary immunodeficiency with post-measles-mumps-rubella vaccine viral infection. Last evaluated: 2023-11-27. Review status: criteria provided, single submitter. Criteria: Invitae Variant Classification Sherloc (09022015). Collection method: clinical testing. Allele origin: germline.
Comment: This sequence change replaces valine, which is neutral and non-polar, with phenylalanine, which is neutral and non-polar, at codon 37 of the STAT2 protein (p.Val37Phe). This variant is present in population databases (rs144812882, gnomAD 0.07%). This variant has not been reported in the literature in individuals affected with STAT2-related conditions. ClinVar contains an entry for this variant (Variation ID: 569571). Advanced modeling of protein sequence and biophysical properties (such as structural, functional, and spatial information, amino acid conservation, physicochemical variation, residue mobility, and thermodynamic stability) performed at Invitae indicates that this missense variant is not expected to disrupt STAT2 protein function with a negative predictive value of 80%. In summary, the available evidence is currently insufficient to determine the role of this variant in disease. Therefore, it has been classified as a Variant of Uncertain Significance.

NM_005419.4(STAT2):c.109G>T (p.Val37Phe)

Gene: STAT2 (signal transducer and activator of transcription 2; minus strand). Cytogenetic location: 12q13.3.
Variant type: single nucleotide variant.
Coding change: c.109G>T on transcript NM_005419.4 (MANE Select); coding-DNA position 109, G replaced by T.
Protein change: p.Val37Phe; replaces valine 37 with phenylalanine.
Molecular consequence: missense variant.
Genome position (GRCh38, 1-based): chr12:56,356,463, C>A on the plus strand (G>T on the coding strand, the complement: STAT2 is on the minus strand). VCF-style: chr12-56356463-C-A. GRCh37 (hg19) VCF-style: chr12-56750247-C-A.
Other names: c.109G>T, p.Val37Phe (LRG_1329t1, NM_198332.2); short protein forms V37F.
Identifiers: ClinVar variation 569571 (VCV000569571.12), dbSNP rs144812882, ClinGen allele CA6630959.
Genomic context (GRCh38, chr12:56,356,463, plus strand): 5'-CCACCTTTTTCATTCCCCCAACTTCCTGAAGGCCTCACCAGTTCTGGTCTTCAATCCAGA[C>A]AGCCAAGTACTGTCGAATGTCCACAGGCAGGAGGCTGTGCGAGTAAAGCTGGTGCAGCTG-3'
Protein context (NP_005410.1, residues 27-47): LPVDIRQYLA[Val37Phe]WIEDQNWQEA